The following is an entry in ClinVar:

ClinVar aggregate classification (germline): Benign (1 of 4 stars; one submission).

Conditions:
Sulfite oxidase deficiency due to molybdenum cofactor deficiency type B1 (MOCODB1). Also called: Molybdenum cofactor deficiency B; Molybdenum cofactor deficiency, complementation group B; MOLYBDENUM COFACTOR DEFICIENCY, TYPE B1; Sulfite oxidase deficiency due to molybdenum cofactor deficiency type B. Identifiers: Orphanet 308393, Orphanet 833, MedGen C6065887, MONDO:0009644, OMIM 252160.

Allele frequency attached by ClinVar (database versions not stated): 1000 Genomes Project 0.05351; gnomAD 0.05370 and 0.05783; 1000 Genomes Project 30x 0.05981; TOPMed 0.06017.

Submission:

Illumina Laboratory Services, Illumina
Classification: Benign for Sulfite oxidase deficiency due to molybdenum cofactor deficiency type B1. Last evaluated: 2018-01-12. Review status: criteria provided, single submitter. Criteria: ICSL Variant Classification Criteria 13 December 2019. Collection method: clinical testing. Allele origin: germline.
Comment: This variant was observed in the ICSL laboratory as part of a predisposition screen in an ostensibly healthy population. It had not been previously curated by ICSL or reported in the Human Gene Mutation Database (HGMD: prior to June 1st, 2018), and was therefore a candidate for classification through an automated scoring system. Utilizing variant allele frequency, disease prevalence and penetrance estimates, and inheritance mode, an automated score was calculated to assess if this variant is too frequent to cause the disease. Based on the score and internal cut-off values, a variant classified as benign is not then subjected to further curation. The score for this variant resulted in a classification of benign for this disease.

NM_004531.5(MOCS2):c.*1673T>C

Gene: MOCS2 (molybdenum cofactor synthesis 2; minus strand). Cytogenetic location: 5q11.2.
Variant type: single nucleotide variant.
Coding change: c.*1673T>C on transcript NM_004531.5 (MANE Select); 1673 bases downstream of the stop codon, T replaced by C.
Molecular consequence: 3 prime UTR variant.
Genome position (GRCh38, 1-based): chr5:53,096,929, A>G on the plus strand (T>C on the coding strand, the complement: MOCS2 is on the minus strand). VCF-style: chr5-53096929-A-G. GRCh37 (hg19) VCF-style: chr5-52392759-A-G.
Other names: c.*2160T>C (NM_176806.4).
Identifiers: ClinVar variation 906212 (VCV000906212.4), dbSNP rs73756617, ClinGen allele CA15376542.
Genomic context (GRCh38, chr5:53,096,929, plus strand): 5'-AGAAATATCTAAGTAGGAAAGTCTTGAAATCCACATATACCTATCAACATTGCATATGAC[A>G]TAACATCCATTTAACAACCTATGTCCAAAATCCTAGAAATGTCCAGTGACCCAGTAACCC-3'